The following is an entry in ClinVar:

ClinVar aggregate classification (germline): Uncertain significance. Review status: criteria provided, multiple submitters, no conflicts (2 of 4 stars). 2 submissions from 2 submitters: Uncertain significance (2). Last evaluated 2024-08-28.

Conditions:
Inborn genetic diseases. Identifiers: MedGen C0950123, MeSH D030342.

Submissions (2):

Ambry Genetics
Classification: Uncertain significance for Inborn genetic diseases. Last evaluated: 2024-08-28. Review status: criteria provided, single submitter. Criteria: Ambry Variant Classification Scheme 2023. Collection method: clinical testing. Allele origin: germline.

Labcorp Genetics (formerly Invitae), Labcorp
Classification: Uncertain significance. Last evaluated: 2022-08-23. Review status: criteria provided, single submitter. Criteria: Invitae Variant Classification Sherloc (09022015). Collection method: clinical testing. Allele origin: germline.
Comment: In summary, the available evidence is currently insufficient to determine the role of this variant in disease. Therefore, it has been classified as a Variant of Uncertain Significance. Algorithms developed to predict the effect of missense changes on protein structure and function output the following: SIFT: "Tolerated"; PolyPhen-2: "Benign"; Align-GVGD: "Class C0". The serine amino acid residue is found in multiple mammalian species, which suggests that this missense change does not adversely affect protein function. ClinVar contains an entry for this variant (Variation ID: 934606). This variant has not been reported in the literature in individuals affected with RBP3-related conditions. This variant is present in population databases (rs546489667, gnomAD 0.0009%). This sequence change replaces alanine, which is neutral and non-polar, with serine, which is neutral and polar, at codon 1224 of the RBP3 protein (p.Ala1224Ser).

NM_002900.3(RBP3):c.3670G>T (p.Ala1224Ser)

Gene: RBP3 (retinol binding protein 3; plus strand). Cytogenetic location: 10q11.22.
Variant type: single nucleotide variant.
Coding change: c.3670G>T on transcript NM_002900.3 (MANE Select); coding-DNA position 3670, G replaced by T.
Protein change: p.Ala1224Ser; replaces alanine 1224 with serine.
Molecular consequence: missense variant.
Genome position (GRCh38, 1-based): chr10:47,357,383, G>T. VCF-style: chr10-47357383-G-T. GRCh37 (hg19) VCF-style: chr10-48381979-C-A.
Other names: short protein forms A1224S.
Identifiers: ClinVar variation 934606 (VCV000934606.10), dbSNP rs546489667, ClinGen allele CA5486988.